The following is an entry in ClinVar:

ClinVar aggregate classification (germline): Likely benign (1 of 4 stars; one submission).

Submission:

CeGaT Center for Human Genetics Tuebingen
Classification: Likely benign. Last evaluated: 2026-01-01. Review status: criteria provided, single submitter. Criteria: CeGaT Center For Human Genetics Tuebingen Variant Classification Criteria Version 2. Collection method: clinical testing. Allele origin: germline. Affected: yes. Observed: 3 variant alleles.
Comment: OR2A42: PM2:Supporting, BP4, BP7

NM_001001802.3(OR2A42):c.162C>A (p.Leu54=)

Genes: ARHGEF35-AS1 (ARHGEF35 antisense RNA 1; plus strand), OR2A42 (olfactory receptor family 2 subfamily A member 42; minus strand). Cytogenetic location: 7q35.
Variant type: single nucleotide variant.
Coding change: c.162C>A on transcript NM_001001802.3 (MANE Select); coding-DNA position 162, C replaced by A.
Protein change: p.Leu54=; no amino-acid change (leucine 54 retained).
Molecular consequence: synonymous variant.
Genome position (GRCh38, 1-based): chr7:144,232,682, G>T on the plus strand (C>A on the coding strand, the complement: OR2A42 is on the minus strand). VCF-style: chr7-144232682-G-T. GRCh37 (hg19) VCF-style: chr7-143929775-G-T.
Identifiers: ClinVar variation 3905805 (VCV003905805.10).